The following is an entry in ClinVar:

ClinVar aggregate classification (germline): Uncertain significance (1 of 4 stars; one submission).

Allele frequency attached by ClinVar (database versions not stated): TOPMed 0.00002; gnomAD 0.00004; ExAC 0.00007; gnomAD exomes 0.00007; 1000 Genomes Project 30x 0.00016.

Submission:

Labcorp Genetics (formerly Invitae), Labcorp
Classification: Uncertain significance. Last evaluated: 2020-12-23. Review status: criteria provided, single submitter. Criteria: Invitae Variant Classification Sherloc (09022015). Collection method: clinical testing. Allele origin: germline.
Comment: This variant is present in population databases (rs199801193, ExAC 0.09%). This sequence change replaces arginine with glutamine at codon 135 of the FGF3 protein (p.Arg135Gln). The arginine residue is moderately conserved and there is a small physicochemical difference between arginine and glutamine. This variant has not been reported in the literature in individuals with FGF3-related conditions. In summary, the available evidence is currently insufficient to determine the role of this variant in disease. Therefore, it has been classified as a Variant of Uncertain Significance. Algorithms developed to predict the effect of sequence changes on RNA splicing suggest that this variant may create or strengthen a splice site, but this prediction has not been confirmed by published transcriptional studies. Algorithms developed to predict the effect of missense changes on protein structure and function are either unavailable or do not agree on the potential impact of this missense change (SIFT: "Deleterious"; PolyPhen-2: "Benign"; Align-GVGD: "Class C0").

NM_005247.4(FGF3):c.404G>A (p.Arg135Gln)

Gene: FGF3 (fibroblast growth factor 3; minus strand). Cytogenetic location: 11q13.3.
Variant type: single nucleotide variant.
Coding change: c.404G>A on transcript NM_005247.4 (MANE Select); coding-DNA position 404, G replaced by A.
Protein change: p.Arg135Gln; replaces arginine 135 with glutamine.
Molecular consequence: missense variant.
Genome position (GRCh38, 1-based): chr11:69,810,621, C>T on the plus strand (G>A on the coding strand, the complement: FGF3 is on the minus strand). VCF-style: chr11-69810621-C-T. GRCh37 (hg19) VCF-style: chr11-69625389-C-T.
Other names: short protein forms R135Q.
Identifiers: ClinVar variation 1480559 (VCV001480559.8), dbSNP rs199801193, ClinGen allele CA6157077.
Genomic context (GRCh38, chr11:69,810,621, plus strand): 5'-ACGTACCACAGTCTCTCGGCGCTGGGCTGCCGGCGGGCCCCAGGCGTACTAGACACCGTC[C>T]GGTACAGCCGGGAGGCATACGTATTATAGCCCAGCTCGTGGATCCGCTCCACAAACTCGC-3'
Protein context (NP_005238.1, residues 125-145): GYNTYASRLY[Arg135Gln]TVSSTPGARR